The following is an entry in ClinVar:

ClinVar aggregate classification (germline): Conflicting classifications of pathogenicity. Review status: criteria provided, conflicting classifications (1 of 4 stars). 10 submissions from 10 submitters: Uncertain significance (1); Benign (1); Likely benign (7). 1 of the submissions does not count toward it. Last evaluated 2026-08-01.

Conditions:
SCN9A-related disorder. Also called: SCN9A-related disorders; SCN9A-related condition.
Generalized epilepsy with febrile seizures plus, type 7 (GEFSP7). Also called: GEFS+, TYPE 7. Identifiers: Orphanet 36387, MedGen C2751778, MONDO:0013470, OMIM 613863.
Neuropathy, hereditary sensory and autonomic, type 2A (HSAN2A). Also called: WNK1-Related HSAN2 (HSAN2A); MORVAN DISEASE; NEUROPATHY, CONGENITAL SENSORY; NEUROPATHY, HEREDITARY SENSORY RADICULAR, AUTOSOMAL RECESSIVE; NEUROPATHY, HEREDITARY SENSORY, TYPE IIA; NEUROPATHY, PROGRESSIVE SENSORY, OF CHILDREN. Identifiers: Orphanet 970, MedGen C2752089, MONDO:0024309, OMIM 201300.
Inborn genetic diseases. Identifiers: MedGen C0950123, MeSH D030342.

Allele frequency attached by ClinVar (database versions not stated): TOPMed 0.00090; gnomAD 0.00096 and 0.00099; 1000 Genomes Project 0.00100; 1000 Genomes Project 30x 0.00109; gnomAD exomes 0.00013 and 0.00031; ExAC 0.00035; ESP Exome Variant Server 0.00074.
gnomAD v4.1: 338 of 1,613,324 alleles (0.021%); highest among the groups gnomAD compares: African/African-American, 0.34%; 1 homozygote.

Submissions (10):

CeGaT Center for Human Genetics Tuebingen
Classification: Likely benign. Last evaluated: 2026-08-01. Review status: criteria provided, single submitter. Criteria: CeGaT Center For Human Genetics Tuebingen Variant Classification Criteria Version 2. Collection method: clinical testing. Allele origin: germline. Affected: yes. Observed: 1 variant allele.
Comment: SCN9A: BP4, BP7

Labcorp Genetics (formerly Invitae), Labcorp
Classification: Benign for Neuropathy, hereditary sensory and autonomic, type 2A; Generalized epilepsy with febrile seizures plus, type 7. Last evaluated: 2026-01-18. Review status: criteria provided, single submitter. Criteria: Invitae Variant Classification Sherloc (09022015). Collection method: clinical testing. Allele origin: germline.

Women's Health and Genetics/Laboratory Corporation of America, LabCorp
Classification: Likely benign. Last evaluated: 2025-12-29. Review status: criteria provided, single submitter. Criteria: LabCorp Variant Classification Summary - May 2015. Collection method: clinical testing. Allele origin: germline.

Mayo Clinic Laboratories, Mayo Clinic
Classification: Likely benign. Last evaluated: 2025-11-01. Review status: criteria provided, single submitter. Criteria: ACMG Guidelines, 2015. Collection method: clinical testing. Allele origin: germline. Observed: 2 variant alleles.
Comment: BS1, BP4, BP7

Blueprint Genetics
Classification: Likely benign. Last evaluated: 2024-07-19. Review status: criteria provided, single submitter. Criteria: ACMG Guidelines, 2015. Collection method: clinical testing. Allele origin: germline.

GeneDx
Classification: Likely benign. Last evaluated: 2019-12-11. Review status: criteria provided, single submitter. Criteria: GeneDx Variant Classification Process June 2021. Collection method: clinical testing. Allele origin: germline. Affected: yes.

Ambry Genetics
Classification: Likely benign for Inborn genetic diseases. Last evaluated: 2019-07-11. Review status: criteria provided, single submitter. Criteria: Ambry Variant Classification Scheme 2023. Collection method: clinical testing. Allele origin: germline.

Eurofins Ntd Llc (ga)
Classification: Uncertain significance. Last evaluated: 2018-06-13. Review status: criteria provided, single submitter. Criteria: EGL ClinVar v180209 classification definitions. Collection method: clinical testing. Allele origin: germline. Observed: 1 variant allele, 1 heterozygote.

Genetic Services Laboratory, University of Chicago
Classification: Likely benign for AllHighlyPenetrant. Last evaluated: 2013-08-27. Review status: criteria provided, single submitter. Criteria: ACMG Guidelines, 2007. Collection method: clinical testing. Allele origin: germline. Inheritance: Autosomal dominant inheritance.

PreventionGenetics, part of Exact Sciences
Classification: Likely benign for SCN9A-related condition. Last evaluated: 2019-11-11. Review status: no assertion criteria provided. Collection method: clinical testing. Allele origin: germline. Not counted in ClinVar's aggregate classification.
Comment: This variant is classified as likely benign based on ACMG/AMP sequence variant interpretation guidelines (Richards et al. 2015 PMID: 25741868, with internal and published modifications).

NM_001365536.1(SCN9A):c.3195C>T (p.Ser1065=)

Genes: SCN1A-AS1 (SCN1A and SCN9A antisense RNA 1; plus strand), SCN9A (sodium voltage-gated channel alpha subunit 9; minus strand). Cytogenetic location: 2q24.3.
Variant type: single nucleotide variant.
Coding change: c.3195C>T on transcript NM_001365536.1 (MANE Select); coding-DNA position 3195, C replaced by T.
Protein change: p.Ser1065=; no amino-acid change (serine 1065 retained).
Molecular consequence: synonymous variant.
Genome position (GRCh38, 1-based): chr2:166,272,555, G>A on the plus strand (C>T on the coding strand, the complement: SCN9A is on the minus strand). VCF-style: chr2-166272555-G-A. GRCh37 (hg19) VCF-style: chr2-167129065-G-A.
Other names: p.Ser1054=; c.3162C>T, p.Ser1054= (NM_002977.4).
Identifiers: ClinVar variation 130261 (VCV000130261.31), dbSNP rs111674454, ClinGen allele CA155122.